The following is an entry in ClinVar:

NM_000051.4(ATM):c.125A>G (p.His42Arg)

Gene: ATM (ATM serine/threonine kinase; plus strand). Cytogenetic location: 11q22.3.
Variant type: single nucleotide variant.
Coding change: c.125A>G on transcript NM_000051.4 (MANE Select); coding-DNA position 125, A replaced by G.
Protein change: p.His42Arg; replaces histidine 42 with arginine.
Molecular consequence: missense variant.
Genome position (GRCh38, 1-based): chr11:108,227,828, A>G. VCF-style: chr11-108227828-A-G. GRCh37 (hg19) VCF-style: chr11-108098555-A-G.
Other names: p.H42R:CAT>CGT; c.125A>G, p.His42Arg (NM_001351834.2, NM_001351835.2, NM_001351836.2); short protein forms H42R.
Identifiers: ClinVar variation 127335 (VCV000127335.34), dbSNP rs201773026, ClinGen allele CA286723.

ClinVar aggregate classification (germline): Conflicting classifications of pathogenicity. Review status: criteria provided, conflicting classifications (1 of 4 stars). 16 submissions from 16 submitters: Uncertain significance (2); Benign (1); Likely benign (11). 2 of the submissions do not count toward it. Last evaluated 2026-01-30.

Conditions:
ATM-related disorder. Also called: ATM-related disorders; ATM-related condition.
Breast and/or ovarian cancer. Identifiers: MedGen CN221562.
Ovarian cancer. Also called: OVARIAN CANCER, SOMATIC. Identifiers: Orphanet 213500, MedGen C1140680, MONDO:0008170, OMIM 167000.
Hereditary cancer-predisposing syndrome. Also called: Tumor predisposition; Hereditary Cancer Syndrome; Neoplastic Syndromes, Hereditary; Hereditary neoplastic syndrome. Identifiers: Orphanet 140162, MedGen C0027672, MeSH D009386, MONDO:0015356.
Hereditary breast ovarian cancer syndrome. Also called: Hereditary breast and ovarian cancer; Hereditary breast and/or ovarian cancer syndrome; BRCA1- and BRCA2-Associated Hereditary Breast and Ovarian Cancer; Hereditary breast and ovarian cancer syndrome; Hereditary breast and ovarian cancer syndrome (HBOC); Breast and ovarian cancer. Identifiers: Orphanet 145, MedGen C0677776, MeSH D061325, MONDO:0003582. Disease mechanism: loss of function.
Familial cancer of breast. Also called: BREAST CANCER, FAMILIAL; Hereditary breast cancer; hereditary breast carcinoma. Identifiers: Orphanet 227535, MedGen C0346153, MONDO:0016419, OMIM 114480. Disease mechanism: loss of function.
Ataxia-telangiectasia syndrome (AT). Also called: LOUIS-BAR SYNDROME; Cerebello-oculocutaneous telangiectasia; Immunodeficiency with ataxia telangiectasia; ATAXIA-TELANGIECTASIA, COMPLEMENTATION GROUP A; ATAXIA-TELANGIECTASIA, FRESNO VARIANT; Ataxia-telangiectasia. Identifiers: Orphanet 100, MedGen C0004135, MONDO:0008840, OMIM 208900.
Malignant tumor of breast. Also called: Malignant breast neoplasm; Cancer breast. Identifiers: MedGen C0006142, MONDO:0007254. Disease mechanism: loss of function.

Allele frequency attached by ClinVar (database versions not stated): gnomAD exomes 0.00006 and 0.00012; gnomAD 0.00007 and 0.00009; TOPMed 0.00011; 1000 Genomes Project 0.00060; 1000 Genomes Project 30x 0.00062; ExAC 0.00019.
gnomAD v4.1: 98 of 1,613,684 alleles (0.0061%); highest among the groups gnomAD compares: East Asian, 0.18%; no homozygotes.

Submissions (16):

Labcorp Genetics (formerly Invitae), Labcorp
Classification: Likely benign for Ataxia-telangiectasia syndrome. Last evaluated: 2026-01-30. Review status: criteria provided, single submitter. Criteria: Invitae Variant Classification Sherloc (09022015). Collection method: clinical testing. Allele origin: germline.

Center for Genomic Medicine, Rigshospitalet, Copenhagen University Hospital
Classification: Likely benign. Last evaluated: 2025-12-29. Review status: criteria provided, single submitter. Criteria: ACMG Guidelines, 2015. Collection method: clinical testing. Allele origin: germline.
Comment: Classification criteria: BS1, BP4

Quest Diagnostics Nichols Institute San Juan Capistrano
Classification: Likely benign. Last evaluated: 2025-08-21. Review status: criteria provided, single submitter. Criteria: Quest Diagnostics criteria. Collection method: clinical testing. Allele origin: unknown.

Color Diagnostics, LLC DBA Color Health
Classification: Likely benign for Hereditary cancer-predisposing syndrome. Last evaluated: 2024-09-17. Review status: criteria provided, single submitter. Criteria: ACMG Guidelines, 2015. Collection method: clinical testing. Allele origin: germline.

Athena Diagnostics
Classification: Likely benign. Last evaluated: 2024-05-14. Review status: criteria provided, single submitter. Criteria: Athena Diagnostics Criteria. Collection method: clinical testing. Allele origin: unknown.

Women's Health and Genetics/Laboratory Corporation of America, LabCorp
Classification: Likely benign. Last evaluated: 2024-02-06. Review status: criteria provided, single submitter. Criteria: LabCorp Variant Classification Summary - May 2015. Collection method: clinical testing. Allele origin: germline.
Comment: Variant summary: ATM c.125A>G (p.His42Arg) results in a non-conservative amino acid change located in the Telomere-length maintenance and DNA damage repair domain (IPR021668) of the encoded protein sequence. Four of five in-silico tools predict a benign effect of the variant on protein function. The variant allele was found at a frequency of 0.0003 in 298686 control chromosomes, predominantly at a frequency of 0.0015 within the East Asian subpopulation in the gnomAD database. The observed variant frequency within East Asian control individuals in the gnomAD database is approximately 1.5-fold the estimated maximal expected allele frequency for a pathogenic variant in ATM causing Breast Cancer phenotype (0.001), suggesting that the variant is a benign polymorphism found primarily in populations of East Asian origin. c.125A>G has been reported in the literature in individuals affected with Breast Cancer and/or tested for Hereditary Breast and Ovarian Cancer (e.g. Momozawa_2018, Chen_2019, Shao_2019), but also in healthy controls (e.g. Momozawa_2018). The variant has also been reported in an individual with Biliary Tract cancer (e.g. Terashima_2019). Several large case-control studies evaluating breast cancer/Biliary tract cancer reported the variant Benign or insignificantly distributed between cases and controls (Dorling_2021 through LOVD, Guindalini_2022, Okawa_2023). These reports do not provide unequivocal conclusions about association of the variant with Breast Cancer. To our knowledge, no experimental evidence demonstrating an impact on protein function has been reported. The following publications have been ascertained in the context of this evaluation (PMID: 31867841, 33471991, 35264596, 23555315, 27093186, 26689913, 30287823, 36243179, 31742824, 31666926). ClinVar contains an entry for this variant (Variation ID: 127335). Based on the evidence outlined above, the variant was classified as likely benign.

Myriad Genetics, Inc.
Classification: Likely benign for Familial cancer of breast. Last evaluated: 2023-03-10. Review status: criteria provided, single submitter. Criteria: Myriad Autosomal Dominant, Autosomal Recessive and X-Linked Classification Criteria (2023). Collection method: clinical testing. Allele origin: unknown.
Comment: This variant is considered likely benign. This variant is strongly associated with less severe personal and family histories of cancer, typical for individuals without pathogenic variants in this gene [PMID: 25085752].

CHEO Genetics Diagnostic Laboratory, Children's Hospital of Eastern Ontario
Classification: Likely benign for Breast and/or ovarian cancer. Last evaluated: 2022-10-19. Review status: criteria provided, single submitter. Criteria: ACMG Guidelines, 2015. Collection method: clinical testing. Allele origin: germline.

Laboratory of Molecular Epidemiology of Birth Defects, West China Second University Hospital, Sichuan University
Classification: Benign for Ovarian cancer. Last evaluated: 2022-01-01. Review status: criteria provided, single submitter. Criteria: ACMG Guidelines, 2015. Collection method: clinical testing. Allele origin: germline. Affected: yes.

Sema4
Classification: Likely benign for Hereditary cancer-predisposing syndrome. Last evaluated: 2020-10-02. Review status: criteria provided, single submitter. Criteria: Sema4 Curation Guidelines. Collection method: curation. Allele origin: germline.

GeneDx
Classification: Likely benign. Last evaluated: 2020-09-08. Review status: criteria provided, single submitter. Criteria: GeneDx Variant Classification Process June 2021. Collection method: clinical testing. Allele origin: germline. Affected: yes.

Cancer Genomics Group, Japanese Foundation For Cancer Research
Classification: Uncertain significance for Hereditary breast and ovarian cancer syndrome. Last evaluated: 2019-05-01. Review status: criteria provided, single submitter. Criteria: ACMG Guidelines, 2015. Collection method: research. Allele origin: germline. Affected: yes.

Mendelics
Classification: Uncertain significance for Ataxia-telangiectasia syndrome. Last evaluated: 2018-07-02. Review status: criteria provided, single submitter. Criteria: Mendelics Assertion Criteria 2017. Collection method: clinical testing. Allele origin: unknown.

Ambry Genetics
Classification: Likely benign for Hereditary cancer-predisposing syndrome. Last evaluated: 2018-05-10. Review status: criteria provided, single submitter. Criteria: Ambry Variant Classification Scheme 2023. Collection method: clinical testing. Allele origin: germline.

PreventionGenetics, part of Exact Sciences
Classification: Likely benign for ATM-related condition. Last evaluated: 2024-03-21. Review status: no assertion criteria provided. Collection method: clinical testing. Allele origin: germline. Not counted in ClinVar's aggregate classification.
Comment: This variant is classified as likely benign based on ACMG/AMP sequence variant interpretation guidelines (Richards et al. 2015 PMID: 25741868, with internal and published modifications).

Department of Pathology and Laboratory Medicine, Sinai Health System
Classification: Likely benign for Malignant tumor of breast. Review status: no assertion criteria provided. Collection method: clinical testing. Allele origin: unknown. Affected: yes. Study: The Canadian Open Genetics Repository (COGR). Not counted in ClinVar's aggregate classification.
Comment: The ATM p.His42Arg variant was not identified in the literature nor was it identified in the following databases: Cosmic, MutDB, and LOVD 3.0. The variant was identified in dbSNP (ID: rs201773026) as â€šÃ„ÃºWith Uncertain significance alleleâ€šÃ„Ã¹, ClinVar (as likely benign by GeneDx and Ambry Genetics and uncertain significance by Invitae), and Clinvitae (6x with conflicting interpretations of pathogenicity). The variant was identified in control databases in 34 of 277040 chromosomes at a frequency of 0.000123 increasing the likelihood this could be a low frequency variant (Genome Aggregation Database Feb 27, 2017). It was observed in the following populations: European (Non-Finnish) in 1 of 126626 chromosomes (freq: 0.000008), East Asian in 31 of 18868 chromosomes (freq: 0.001643), and South Asian in 2 of 30728 chromosomes (freq: 0.000065); the variant was not observed in the African, Other, Latino, Ashkenazi Jewish, or European (Finnish) populations. The p.His42Arg residue is not conserved in mammals and computational analyses (PolyPhen-2, SIFT, AlignGVGD, BLOSUM, MutationTaster) do not suggest a high likelihood of impact to the protein; however, this information is not predictive enough to rule out pathogenicity. The variant occurs outside of the splicing consensus sequence and in silico or computational prediction software programs (SpliceSiteFinder, MaxEntScan, NNSPLICE, GeneSplicer, HumanSpliceFinder) do not predict a difference in splicing. In summary, based on the above information, the clinical significance of this variant cannot be determined with certainty at this time although we would lean towards a more benign role for this variant. This variant is classified as likely benign.

Literature cited by the submitters: PubMed 31742824 (cited by Athena Diagnostics and Women's Health and Genetics/Laboratory Corporation of America, LabCorp); PubMed 31666926 (cited by Athena Diagnostics and Women's Health and Genetics/Laboratory Corporation of America, LabCorp); PubMed 30287823 (cited by Athena Diagnostics and Women's Health and Genetics/Laboratory Corporation of America, LabCorp); PubMed 33240400 (cited by Athena Diagnostics); PubMed 33309985 (cited by Athena Diagnostics); PubMed 26689913 (cited by Athena Diagnostics and Women's Health and Genetics/Laboratory Corporation of America, LabCorp); PubMed 23555315 (cited by Women's Health and Genetics/Laboratory Corporation of America, LabCorp); PubMed 27093186 (cited by Women's Health and Genetics/Laboratory Corporation of America, LabCorp); PubMed 31867841 (cited by Women's Health and Genetics/Laboratory Corporation of America, LabCorp); PubMed 33471991 (cited by Women's Health and Genetics/Laboratory Corporation of America, LabCorp); PubMed 35264596 (cited by Women's Health and Genetics/Laboratory Corporation of America, LabCorp); PubMed 36243179 (cited by Women's Health and Genetics/Laboratory Corporation of America, LabCorp); PubMed 25085752 (cited by Myriad Genetics, Inc.).